The following is an entry in ClinVar:

ClinVar aggregate classification (germline): Uncertain significance (1 of 4 stars; one submission).

gnomAD v4.1: 4 of 1,611,580 alleles (0.00025%); highest among the groups gnomAD compares: African/African-American, 0.0013%; no homozygotes.

Submission:

Labcorp Genetics (formerly Invitae), Labcorp
Classification: Uncertain significance. Last evaluated: 2024-09-10. Review status: criteria provided, single submitter. Criteria: Invitae Variant Classification Sherloc (09022015). Collection method: clinical testing. Allele origin: germline.
Comment: This sequence change replaces aspartic acid, which is acidic and polar, with glycine, which is neutral and non-polar, at codon 1373 of the CDK13 protein (p.Asp1373Gly). The frequency data for this variant in the population databases is considered unreliable, as metrics indicate poor data quality at this position in the gnomAD database. This variant has not been reported in the literature in individuals affected with CDK13-related conditions. Invitae Evidence Modeling of protein sequence and biophysical properties (such as structural, functional, and spatial information, amino acid conservation, physicochemical variation, residue mobility, and thermodynamic stability) indicates that this missense variant is not expected to disrupt CDK13 protein function with a negative predictive value of 95%. Algorithms developed to predict the effect of sequence changes on RNA splicing suggest that this variant may create or strengthen a splice site. In summary, the available evidence is currently insufficient to determine the role of this variant in disease. Therefore, it has been classified as a Variant of Uncertain Significance.

NM_003718.5(CDK13):c.4118A>G (p.Asp1373Gly)

Gene: CDK13 (cyclin dependent kinase 13; plus strand). Cytogenetic location: 7p14.1.
Variant type: single nucleotide variant.
Coding change: c.4118A>G on transcript NM_003718.5 (MANE Select); coding-DNA position 4118, A replaced by G.
Protein change: p.Asp1373Gly; replaces aspartic acid 1373 with glycine.
Molecular consequence: missense variant.
Genome position (GRCh38, 1-based): chr7:40,094,559, A>G. VCF-style: chr7-40094559-A-G. GRCh37 (hg19) VCF-style: chr7-40134158-A-G.
Other names: c.3938A>G, p.Asp1313Gly (NM_031267.4); short protein forms D1313G, D1373G.
Identifiers: ClinVar variation 3636720 (VCV003636720.2).
Genomic context (GRCh38, chr7:40,094,559, plus strand): 5'-ATGGTCTAGGAAGCAGTTCTGCTCCACCACTAGAACGACGTAGTTTCATTGGAAATTCAG[A>G]TATTCAGTCTTTGGATAACTACAGTACTGCTTCATCTCATTCTGGTGGTCCACCTCAGCC-3'
Protein context (NP_003709.3, residues 1363-1383): LERRSFIGNS[Asp1373Gly]IQSLDNYSTA